The following is an entry in ClinVar:

ClinVar aggregate classification (germline): Uncertain significance (0 of 4 stars; one submission).

Conditions:
PDE4D-related disorder. Also called: PDE4D-related condition.

Allele frequency attached by ClinVar (database versions not stated): gnomAD exomes below 0.00001; ExAC 0.00001; gnomAD 0.00001; TOPMed 0.00002.
gnomAD v4.1: 4 of 1,606,322 alleles (0.00025%); highest among the groups gnomAD compares: African/African-American, 0.004%; no homozygotes.

Submission:

PreventionGenetics, part of Exact Sciences
Classification: Uncertain significance for PDE4D-related condition. Last evaluated: 2024-01-10. Review status: no assertion criteria provided. Collection method: clinical testing. Allele origin: germline.
Comment: The PDE4D c.1250A>G variant is predicted to result in the amino acid substitution p.Asn417Ser. To our knowledge, this variant has not been reported in the literature. This variant is reported in 0.0067% of alleles in individuals of African descent in gnomAD. At this time, the clinical significance of this variant is uncertain due to the absence of conclusive functional and genetic evidence.

NM_001104631.2(PDE4D):c.1250A>G (p.Asn417Ser)

Gene: PDE4D (phosphodiesterase 4D; minus strand). Cytogenetic location: 5q11.2.
Variant type: single nucleotide variant.
Coding change: c.1250A>G on transcript NM_001104631.2 (MANE Select); coding-DNA position 1250, A replaced by G.
Protein change: p.Asn417Ser; replaces asparagine 417 with serine.
Molecular consequence: missense variant.
Genome position (GRCh38, 1-based): chr5:58,990,841, T>C on the plus strand (A>G on the coding strand, the complement: PDE4D is on the minus strand). VCF-style: chr5-58990841-T-C. GRCh37 (hg19) VCF-style: chr5-58286668-T-C.
Other names: c.1067A>G, p.Asn356Ser (NM_001165899.2, NM_001364599.1); c.1058A>G, p.Asn353Ser (NM_001197218.2); c.884A>G, p.Asn295Ser (NM_001197219.2); c.860A>G, p.Asn287Ser (NM_001197220.2); c.344A>G, p.Asn115Ser (NM_001197221.2, NM_001364603.1); c.578A>G, p.Asn193Ser (NM_001197222.2); c.377A>G, p.Asn126Ser (NM_001197223.2); c.1037A>G, p.Asn346Ser (NM_001349241.2); and 3 more; short protein forms N115S, N126S, N161S, N193S, N281S, N287S, N295S, N307S.
Identifiers: ClinVar variation 3048598 (VCV003048598.2), dbSNP rs766508184, ClinGen allele CA3276110.